The following is an entry in ClinVar:

ClinVar aggregate classification (germline): Likely pathogenic (1 of 4 stars; one submission).

Conditions:
RAB23-related Carpenter syndrome. Also called: Carpenter syndrome 1; ACPS II. Identifiers: Orphanet 65759, MedGen C4551510, MONDO:0008710, OMIM 201000.

Submission:

Natera, Inc.
Classification: Likely pathogenic for Carpenter syndrome 1. Last evaluated: 2025-11-17. Review status: criteria provided, single submitter. Criteria: Natera Variant Classification Schema (03/2026). Collection method: clinical testing. Allele origin: germline.
Comment: The c.16dup variant in RAB23 is a frameshift variant predicted to shift the reading frame beginning at codon 6 and leads to a stop codon 40 codons downstream. This variant is expected to result in nonsense mediated decay, truncation, or a dysfunctional protein product. This variant is rare in the general population with a frequency below the threshold expected for the associated phenotype(s). Given the available evidence, this variant is classified as Likely Pathogenic.

NM_016277.5(RAB23):c.16dup (p.Met6fs)

Gene: RAB23 (RAB23, member RAS oncogene family; minus strand). Cytogenetic location: 6p11.2.
Variant type: Duplication.
Coding change: c.16dup on transcript NM_016277.5 (MANE Select); coding-DNA position 16, one base duplicated (A; older notation c.16dupA).
Protein change: p.Met6fs; shifts the reading frame from methionine 6.
Molecular consequence: frameshift variant. On other transcripts: non-coding transcript variant (1).
Genome position (GRCh38, 1-based): chr6:57,210,365, T duplicated on the plus strand (A on the coding strand, the reverse complement: RAB23 is on the minus strand). VCF-style (leftmost placement, unchanged base first): chr6-57210364-A-AT. GRCh37 (hg19) VCF-style: chr6-57075162-A-AT.
Other names: c.16dup, p.Met6fs (NM_001278666.2, NM_001278667.2, NM_001278668.2 and 1 more transcripts); short protein forms M6fs.
Identifiers: ClinVar variation 4817032 (VCV004817032.1).
Genomic context (GRCh38, chr6:57,210,364, plus strand): 5'-ATCATACTTGATTTTCCAACTGCTCCATTCCCTACAACCACCATCTTTATGGCGACTTCC[A>AT]TATCTTCCTCCAACATTTTTGGAGCTGAAATGGTTTCTGTACCAACTCTAATTCTAGGAG-3'